The following is an entry in ClinVar:

ClinVar aggregate classification (germline): Uncertain significance. Review status: criteria provided, multiple submitters, no conflicts (2 of 4 stars). 4 submissions from 4 submitters: Uncertain significance (4). Last evaluated 2026-02-10.

Conditions:
CEP164-related disorder. Also called: CEP164-related condition.
Nephronophthisis 15 (NPHP15). Identifiers: Orphanet 3156, MedGen C3541853, MONDO:0013917, OMIM 614845.

Allele frequency attached by ClinVar (database versions not stated): ExAC 0.00002; TOPMed 0.00002.
gnomAD v4.1: 21 of 1,614,022 alleles (0.0013%); highest among the groups gnomAD compares: East Asian, 0.0089%; no homozygotes.

Submissions (4):

PreventionGenetics, part of Exact Sciences
Classification: Uncertain significance for CEP164-related condition. Last evaluated: 2026-02-10. Review status: criteria provided, single submitter. Criteria: ACMG Guidelines, 2015. Collection method: clinical testing. Allele origin: germline.
Comment: The CEP164 c.2857C>T variant is predicted to result in the amino acid substitution p.Arg953Trp. To our knowledge, this variant has not been reported in the literature. This variant is reported in 0.0065% of alleles in individuals of South Asian descent in gnomAD. At this time, the clinical significance of this variant is uncertain due to the absence of conclusive functional and genetic evidence.

Labcorp Genetics (formerly Invitae), Labcorp
Classification: Uncertain significance for Nephronophthisis 15. Last evaluated: 2025-09-24. Review status: criteria provided, single submitter. Criteria: Invitae Variant Classification Sherloc (09022015). Collection method: clinical testing. Allele origin: germline.
Comment: This sequence change replaces arginine, which is basic and polar, with tryptophan, which is neutral and slightly polar, at codon 953 of the CEP164 protein (p.Arg953Trp). This variant is present in population databases (rs767099855, gnomAD 0.007%). This variant has not been reported in the literature in individuals affected with CEP164-related conditions. ClinVar contains an entry for this variant (Variation ID: 950148). Invitae Evidence Modeling of protein sequence and biophysical properties (such as structural, functional, and spatial information, amino acid conservation, physicochemical variation, residue mobility, and thermodynamic stability) indicates that this missense variant is not expected to disrupt CEP164 protein function with a negative predictive value of 80%. In summary, the available evidence is currently insufficient to determine the role of this variant in disease. Therefore, it has been classified as a Variant of Uncertain Significance.

Fulgent Genetics
Classification: Uncertain significance for Nephronophthisis 15. Last evaluated: 2024-04-15. Review status: criteria provided, single submitter. Criteria: ACMG Guidelines, 2015. Collection method: clinical testing. Allele origin: germline.

Blueprint Genetics
Classification: Uncertain significance. Last evaluated: 2022-11-07. Review status: criteria provided, single submitter. Criteria: ACMG Guidelines, 2015. Collection method: clinical testing. Allele origin: germline.

NM_014956.5(CEP164):c.2857C>T (p.Arg953Trp)

Gene: CEP164 (centrosomal protein 164; plus strand). Cytogenetic location: 11q23.3.
Variant type: single nucleotide variant.
Coding change: c.2857C>T on transcript NM_014956.5 (MANE Select); coding-DNA position 2857, C replaced by T.
Protein change: p.Arg953Trp; replaces arginine 953 with tryptophan.
Molecular consequence: missense variant.
Genome position (GRCh38, 1-based): chr11:117,395,135, C>T. VCF-style: chr11-117395135-C-T. GRCh37 (hg19) VCF-style: chr11-117265851-C-T.
Other names: c.2866C>T, p.Arg956Trp (NM_001271933.2); short protein forms R953W, R956W.
Identifiers: ClinVar variation 950148 (VCV000950148.5), dbSNP rs767099855, ClinGen allele CA6295254.
Genomic context (GRCh38, chr11:117,395,135, plus strand): 5'-GACCTGGGGTCTGCAGTCAGCCAGAAAATCCTGTCTCTTCCCTGCAAGGAGGAGACCGCC[C>T]GGAGGGAGAAGCAGCAGCTGCTTGATGTGCAGAGGCAGGTTGCTCTGAAGAGTGAGGTTT-3'
Protein context (NP_055771.4, residues 943-963): ALLEVQEETA[Arg953Trp]REKQQLLDVQ